The following is an entry in ClinVar:

NM_000179.3(MSH6):c.3559dup (p.Glu1187fs)

Gene: MSH6 (mutS homolog 6; plus strand). Cytogenetic location: 2p16.3.
Variant type: Duplication.
Coding change: c.3559dup on transcript NM_000179.3 (MANE Select); coding-DNA position 3559, one base duplicated (G; older notation c.3559dupG).
Protein change: p.Glu1187fs; shifts the reading frame from glutamic acid 1187.
Molecular consequence: frameshift variant. On other transcripts: non-coding transcript variant (5).
Genome position (GRCh38, 1-based): chr2:47,805,620, G duplicated. VCF-style (leftmost placement, unchanged base first): chr2-47805619-T-TG. GRCh37 (hg19) VCF-style: chr2-48032758-T-TG.
Other names: c.3169dup, p.Glu1057fs (NM_001281492.2); c.2653dup, p.Glu885fs (NM_001281493.2, NM_001281494.2, NM_001406811.1 and 6 more transcripts); c.3655dup, p.Glu1219fs (NM_001406795.1, NM_001406802.1); c.3559dup, p.Glu1187fs (NM_001406796.1, NM_001406800.1, NM_001406808.1 and 1 more transcripts); c.3262dup, p.Glu1088fs (NM_001406797.1, NM_001406801.1, NM_001406805.1 and 10 more transcripts); c.3385dup, p.Glu1129fs (NM_001406798.1); c.3034dup, p.Glu1012fs (NM_001406799.1, NM_001406806.1, NM_001406807.1); c.2695dup, p.Glu899fs (NM_001406803.1); and 7 more; short protein forms E1012fs, E1057fs, E1088fs, E1129fs, E1131fs, E114fs, E1161fs, E1187fs.
Identifiers: ClinVar variation 4812979 (VCV004812979.1).

ClinVar aggregate classification (germline): Pathogenic (1 of 4 stars; one submission).

Conditions:
Lynch syndrome 5 (LYNCH5). Also called: Colorectal cancer, hereditary nonpolyposis, type 5; Hereditary non-polyposis colorectal cancer, type 5. Identifiers: Orphanet 144, MedGen C1833477, MONDO:0013710, OMIM 614350. Disease mechanism: loss of function.

Submission:

Myriad Genetics, Inc.
Classification: Pathogenic for Lynch syndrome 5. Last evaluated: 2025-10-21. Review status: criteria provided, single submitter. Criteria: Myriad Autosomal Dominant, Autosomal Recessive and X-Linked Classification Criteria (2023). Collection method: clinical testing. Allele origin: unknown.
Comment: This variant is considered pathogenic. This variant creates a frameshift predicted to result in premature protein truncation.